The following is an entry in ClinVar:

NM_000059.4(BRCA2):c.2849T>A (p.Val950Asp)

Gene: BRCA2 (BRCA2 DNA repair associated; plus strand). Cytogenetic location: 13q13.1.
Variant type: single nucleotide variant.
Coding change: c.2849T>A on transcript NM_000059.4 (MANE Select); coding-DNA position 2849, T replaced by A.
Protein change: p.Val950Asp; replaces valine 950 with aspartic acid.
Molecular consequence: missense variant.
Genome position (GRCh38, 1-based): chr13:32,337,204, T>A. VCF-style: chr13-32337204-T-A. GRCh37 (hg19) VCF-style: chr13-32911341-T-A.
Other names: short protein forms V950D.
Identifiers: ClinVar variation 51360 (VCV000051360.18), dbSNP rs80358535, ClinGen allele CA016619.

ClinVar aggregate classification (germline): Conflicting classifications of pathogenicity. Review status: criteria provided, conflicting classifications (1 of 4 stars). 8 submissions from 8 submitters: Uncertain significance (4); Likely benign (2). 2 of the submissions do not count toward it. Last evaluated 2025-10-07.

Conditions:
Hereditary breast ovarian cancer syndrome. Also called: Hereditary breast and ovarian cancer syndrome; Hereditary breast and ovarian cancer; Hereditary breast and ovarian cancer syndrome (HBOC); Breast and ovarian cancer; Hereditary breast and/or ovarian cancer syndrome; BRCA1- and BRCA2-Associated Hereditary Breast and Ovarian Cancer. Identifiers: Orphanet 145, MedGen C0677776, MeSH D061325, MONDO:0003582. Disease mechanism: loss of function.
Breast-ovarian cancer, familial, susceptibility to, 2 (BROVCA2). Also called: BRCA2 Hereditary Breast and Ovarian Cancer. Identifiers: Orphanet 145, MedGen C2675520, MONDO:0012933, OMIM 612555. Disease mechanism: loss of function.
Hereditary cancer-predisposing syndrome. Also called: Neoplastic Syndromes, Hereditary; Tumor predisposition; Hereditary Cancer Syndrome; Hereditary neoplastic syndrome. Identifiers: Orphanet 140162, MedGen C0027672, MeSH D009386, MONDO:0015356.

Allele frequency attached by ClinVar (database versions not stated): gnomAD exomes below 0.00001 and 0.00001; gnomAD 0.00001; ExAC 0.00002; 1000 Genomes Project 30x 0.00016; 1000 Genomes Project 0.00020.
gnomAD v4.1: 3 of 1,613,636 alleles (0.00019%); highest among the groups gnomAD compares: South Asian, 0.0033%; no homozygotes.

Submissions (8):

Labcorp Genetics (formerly Invitae), Labcorp
Classification: Uncertain significance for Hereditary breast ovarian cancer syndrome. Last evaluated: 2025-10-07. Review status: criteria provided, single submitter. Criteria: Invitae Variant Classification Sherloc (09022015). Collection method: clinical testing. Allele origin: germline.
Comment: This sequence change replaces valine, which is neutral and non-polar, with aspartic acid, which is acidic and polar, at codon 950 of the BRCA2 protein (p.Val950Asp). This variant is present in population databases (rs80358535, gnomAD 0.007%). This missense change has been observed in individual(s) with clinical features of BRCA2-related conditions (PMID: 10923033). ClinVar contains an entry for this variant (Variation ID: 51360). Invitae Evidence Modeling of protein sequence and biophysical properties (such as structural, functional, and spatial information, amino acid conservation, physicochemical variation, residue mobility, and thermodynamic stability) indicates that this missense variant is not expected to disrupt BRCA2 protein function with a negative predictive value of 95%. In summary, the available evidence is currently insufficient to determine the role of this variant in disease. Therefore, it has been classified as a Variant of Uncertain Significance.

All of Us Research Program, National Institutes of Health
Classification: Uncertain significance for Breast-ovarian cancer, familial, susceptibility to, 2. Last evaluated: 2023-11-02. Review status: criteria provided, single submitter. Criteria: ACMG Guidelines, 2015. Collection method: clinical testing. Allele origin: germline. Inheritance: Autosomal dominant inheritance. Observed: 1 variant allele, 1 heterozygote.
Comment: This missense variant replaces valine with aspartic acid at codon 950 of the BRCA2 protein. Computational prediction suggests that this variant may not impact protein structure and function (internally defined REVEL score threshold <= 0.5, PMID: 27666373). To our knowledge, functional studies have not been reported for this variant. This variant has been reported in a breast cancer case-control meta-analysis in 1/53461 unaffected individuals and absent in 60466 cases (PMID: 33471991; Leiden Open Variation Database DB-ID BRCA2_008001). This variant has been identified in 2/250348 chromosomes in the general population by the Genome Aggregation Database (gnomAD). The available evidence is insufficient to determine the role of this variant in disease conclusively. Therefore, this variant is classified as a Variant of Uncertain Significance.

This study involves interpretation of variants in research participants for the purpose of population health screening. Participant phenotype was not available at the time of variant classification. Additional details can be found in publication PMID: 35346344, PMCID: PMC8962531

Color Diagnostics, LLC DBA Color Health
Classification: Uncertain significance for Hereditary cancer-predisposing syndrome. Last evaluated: 2023-10-18. Review status: criteria provided, single submitter. Criteria: ACMG Guidelines, 2015. Collection method: clinical testing. Allele origin: germline.
Comment: This missense variant replaces valine with aspartic acid at codon 950 of the BRCA2 protein. Computational prediction suggests that this variant may not impact protein structure and function (internally defined REVEL score threshold <= 0.5, PMID: 27666373). To our knowledge, functional studies have not been reported for this variant. This variant has been reported in a breast cancer case-control meta-analysis in 1/53461 unaffected individuals and absent in 60466 cases (PMID: 33471991; Leiden Open Variation Database DB-ID BRCA2_008001). This variant has been identified in 2/250348 chromosomes in the general population by the Genome Aggregation Database (gnomAD). The available evidence is insufficient to determine the role of this variant in disease conclusively. Therefore, this variant is classified as a Variant of Uncertain Significance.

University of Washington Department of Laboratory Medicine, University of Washington
Classification: Likely benign for Hereditary cancer-predisposing syndrome. Last evaluated: 2023-03-23. Review status: criteria provided, single submitter. Criteria: Dines et al. (Genet Med. 2020). Collection method: curation. Allele origin: germline.
Comment: Missense variant in a coldspot region where missense variants are very unlikely to be pathogenic (PMID:31911673).

BRCA2 exon 11 coldspot. Reclassification based on statistical prior probability.

Ambry Genetics
Classification: Likely benign for Hereditary cancer-predisposing syndrome. Last evaluated: 2016-11-12. Review status: criteria provided, single submitter. Criteria: Ambry Variant Classification Scheme 2023. Collection method: clinical testing. Allele origin: germline.

Women's Health and Genetics/Laboratory Corporation of America, LabCorp
Classification: Uncertain significance. Last evaluated: 2016-10-06. Review status: criteria provided, single submitter. Criteria: LabCorp Variant Classification Summary - May 2015. Collection method: clinical testing. Allele origin: germline.
Comment: Variant summary: The BRCA2 c.2849T>A (p.Val950Asp) variant causes a missense change involving a non-conserved nucleotide with 3/5 in silico tools predicting a "benign" outcome, although these predictions have yet to be functionally assessed. The variant of interest was observed in the large, broad control population, ExAC, with an allele frequency of 2/120650 (1/60325), predominantly in the South Asian cohort, 2/16494 (1/8247), which does not exceed the estimated maximal expected allele frequency for a pathogenic BRCA2 variant of 1/1333. The variant of interest has not been reported in affected individuals via publications. Multiple clinical diagnostic laboratories cite the variant as "uncertain significance." Therefore, due to the limited available information (ie, lack of clinical and functional studies), the variant of interest has been classified as a "Variant of Uncertain Significance (VUS)," until additional information becomes available.

ITMI
No classification provided. Condition: AllHighlyPenetrant. Last evaluated: 2013-09-19. Review status: no classification provided. Collection method: reference population. Allele origin: germline. Not counted in ClinVar's aggregate classification.
Comment: Please see associated publication for description of ethnicities

Breast Cancer Information Core (BIC) (BRCA2)
Classification: Uncertain significance for Breast-ovarian cancer, familial 2. Last evaluated: 2003-12-23. Review status: no assertion criteria provided. Collection method: clinical testing. Allele origin: germline. Affected: yes. Observed: 1 variant allele. Not counted in ClinVar's aggregate classification.

Literature cited by the submitters: PubMed 10923033 (cited by Labcorp Genetics (formerly Invitae), Labcorp); PubMed 33471991 (cited by All of Us Research Program, National Institutes of Health and Color Diagnostics, LLC DBA Color Health); PubMed 24728327 (cited by Women's Health and Genetics/Laboratory Corporation of America, LabCorp and ITMI); PubMed 23929434 (cited by Women's Health and Genetics/Laboratory Corporation of America, LabCorp).